The following is an entry in ClinVar:

ClinVar aggregate classification (germline): Uncertain significance (1 of 4 stars; one submission).

Conditions:
Propionic acidemia (PROP). Also called: GLYCINEMIA, KETOTIC; HYPERGLYCINEMIA WITH KETOACIDOSIS AND LEUKOPENIA; KETOTIC HYPERGLYCINEMIA. Identifiers: Orphanet 35, MedGen C0268579, MONDO:0011628, OMIM 606054, HP:0003571.

Allele frequency attached by ClinVar (database versions not stated): gnomAD exomes below 0.00001; ExAC 0.00002.
gnomAD v4.1: 5 of 1,591,946 alleles (0.00031%); highest among the groups gnomAD compares: South Asian, 0.0055%; no homozygotes.

Submission:

Labcorp Genetics (formerly Invitae), Labcorp
Classification: Uncertain significance for Propionic acidemia. Last evaluated: 2022-07-12. Review status: criteria provided, single submitter. Criteria: Invitae Variant Classification Sherloc (09022015). Collection method: clinical testing. Allele origin: germline.
Comment: This sequence change falls in intron 8 of the PCCA gene. It does not directly change the encoded amino acid sequence of the PCCA protein. It affects a nucleotide within the consensus splice site. This variant is present in population databases (rs753109696, gnomAD 0.01%). This variant has not been reported in the literature in individuals affected with PCCA-related conditions. Variants that disrupt the consensus splice site are a relatively common cause of aberrant splicing (PMID: 17576681, 9536098). Algorithms developed to predict the effect of sequence changes on RNA splicing suggest that this variant is not likely to affect RNA splicing. In summary, the available evidence is currently insufficient to determine the role of this variant in disease. Therefore, it has been classified as a Variant of Uncertain Significance.

Literature cited by the submitters: PubMed 17576681; PubMed 9536098.

NM_000282.4(PCCA):c.637+3A>G

Gene: PCCA (propionyl-CoA carboxylase subunit alpha; plus strand). Cytogenetic location: 13q32.3.
Variant type: single nucleotide variant.
Coding change: c.637+3A>G on transcript NM_000282.4 (MANE Select); 3 bases into the intron after coding-DNA position 637, A replaced by G.
Molecular consequence: intron variant.
Genome position (GRCh38, 1-based): chr13:100,235,881, A>G. VCF-style: chr13-100235881-A-G. GRCh37 (hg19) VCF-style: chr13-100888135-A-G.
Other names: c.637+3A>G (NM_001178004.2, NM_001352605.2, NM_001352606.2 and 1 more transcripts); c.-230+3A>G (NM_001352610.2, NM_001352611.2, NM_001352612.2); c.559+3A>G (NM_001127692.3, NM_001352607.2, NM_001352608.2).
Identifiers: ClinVar variation 1912762 (VCV001912762.2), dbSNP rs753109696, ClinGen allele CA7033300.